The following is an entry in ClinVar:

NM_000018.4(ACADVL):c.1372T>C (p.Phe458Leu)

Gene: ACADVL (acyl-CoA dehydrogenase very long chain; plus strand). Cytogenetic location: 17p13.1.
Variant type: single nucleotide variant.
Coding change: c.1372T>C on transcript NM_000018.4 (MANE Select); coding-DNA position 1372, T replaced by C.
Protein change: p.Phe458Leu; replaces phenylalanine 458 with leucine.
Molecular consequence: missense variant.
Genome position (GRCh38, 1-based): chr17:7,224,007, T>C. VCF-style: chr17-7224007-T-C. GRCh37 (hg19) VCF-style: chr17-7127326-T-C.
Other names: NM_000018.4(ACADVL):c.1372T>C; c.1306T>C, p.Phe436Leu (NM_001033859.3); c.1441T>C, p.Phe481Leu (NM_001270447.2); c.1144T>C, p.Phe382Leu (NM_001270448.2); short protein forms F458L, F481L, F436L, F382L.
Identifiers: ClinVar variation 1632 (VCV000001632.21), dbSNP rs118204017, ClinGen allele CA251907.
Genomic context (GRCh38, chr17:7,224,007, plus strand): 5'-ATTTGTGTGGCCCTGTGCTAGGAACCTGGAGTAGAGCGTGTGCTCCGAGATCTTCGCATC[T>C]TCCGGATCTTTGAGGGGACAAATGACATTCTTCGGCTGTTTGTGGCTCTGCAGGGCTGTA-3'
Protein context (NP_000009.1, residues 448-468): VERVLRDLRI[Phe458Leu]RIFEGTNDIL

ClinVar aggregate classification (germline): Likely pathogenic. Review status: reviewed by expert panel (3 of 4 stars). 9 submissions from 9 submitters: Likely pathogenic (1). 8 of the submissions do not count toward it. Last evaluated 2022-12-14.

Conditions:
ACADVL-related disorder. Also called: ACADVL-related condition.
Very long chain acyl-CoA dehydrogenase deficiency (ACADVLD). Also called: Very Long-Chain Acyl-Coenzyme A Dehydrogenase Deficiency; VLCAD Deficiency. Identifiers: Orphanet 26793, MedGen C3887523, MONDO:0008723, OMIM 201475.

Allele frequency attached by ClinVar (database versions not stated): gnomAD 0.00001; gnomAD exomes 0.00001.
gnomAD v4.1: 8 of 1,614,064 alleles (0.0005%); highest among the groups gnomAD compares: Non-Finnish European, 0.00068%; no homozygotes.

Submissions (9):

ClinGen ACADVL Variant Curation Expert Panel, ClinGen
Classification: Likely pathogenic for Very long chain acyl-CoA dehydrogenase deficiency. Last evaluated: 2022-12-14. Review status: reviewed by expert panel. Criteria: clingen acadvl acmg specifications v1. Collection method: curation. Allele origin: germline. Inheritance: Autosomal recessive inheritance.
Comment: The c.1372T>C variant is a missense variant predicted to cause substitution of phenylalanine by leucine at amino acid 458 (p.Phe458Leu). This variant has also been published as Phe418Leu when numbered from the mature peptide. The c.1372T>C variant has been described in at least three individuals diagnosed with very long chain acyl CoA dehydrogenase (VLCAD), with at least two also carrying an additional pathogenic or likely pathogenic ACADVL variant confirmed in trans (PM3_Strong). At least one patient with this variant displayed VLCAD activity 20% of normal, which is highly specific for VLCAD deficiency (PP4; PMID: 9709714). The highest population minor allele frequency in gnomAD v2.1.1 is 0.00001759 in European (non-Finnish) population, which is lower than the ClinGen ACADVL Variant Curation Expert Panel threshold (<0.001) for PM2_Supporting, meeting this criterion (PM2_Supporting). Recombinant protein expressing this variant showed reduced VLCAD enzyme activity, indicating that this variant impacts protein function (PS3_Supporting; PMID: 9461620). The computational predictor REVEL gives a score of 0.828, which is above the threshold of 0.75, evidence that correlates with impact to ACADVL function (PP3). In summary, this variant meets criteria to be classified as likely pathogenic for autosomal recessive VLCAD deficiency based on the ACMG/AMP criteria applied, as specified by the ClinGen ACADVL Variant Curation Expert Panel: PM3_Strong, PP4, PM2_Supporting, PS3_Supporting, PP3 (ACADVL VCEP specifications version 1; approved November 8, 2021).

Natera, Inc.
Classification: Likely pathogenic for Very long chain acyl-CoA dehydrogenase deficiency. Last evaluated: 2025-08-15. Review status: criteria provided, single submitter. Criteria: Natera Variant Classification Schema (03/2026). Collection method: clinical testing. Allele origin: germline. Not counted in ClinVar's aggregate classification.
Comment: The c.1372T>C variant in ACADVL is a missense variant predicted to cause substitution of phenylalanine to leucine at amino acid 458. This variant is rare in the general population with a frequency below the threshold expected for the associated phenotype(s). This variant has been observed in one or more individuals affected with the associated recessive disease, as either homozygous or compound heterozygous with a second variant (PMID: 10738914, 9709714). Functional studies show that this variant may disrupt protein function (PMID: 9709714). Given the available evidence, this variant is classified as Likely Pathogenic.

Labcorp Genetics (formerly Invitae), Labcorp
Classification: Pathogenic for Very long chain acyl-CoA dehydrogenase deficiency. Last evaluated: 2025-04-17. Review status: criteria provided, single submitter. Criteria: Invitae Variant Classification Sherloc (09022015). Collection method: clinical testing. Allele origin: germline. Not counted in ClinVar's aggregate classification.
Comment: This sequence change replaces phenylalanine, which is neutral and non-polar, with leucine, which is neutral and non-polar, at codon 458 of the ACADVL protein (p.Phe458Leu). This variant is present in population databases (rs118204017, gnomAD 0.002%). This missense change has been observed in individual(s) with VLCAD deficiency (PMID: 9709714, 10738914). In at least one individual the data is consistent with being in trans (on the opposite chromosome) from a pathogenic variant. ClinVar contains an entry for this variant (Variation ID: 1632). Invitae Evidence Modeling of protein sequence and biophysical properties (such as structural, functional, and spatial information, amino acid conservation, physicochemical variation, residue mobility, and thermodynamic stability) indicates that this missense variant is not expected to disrupt ACADVL protein function with a negative predictive value of 80%. Experimental studies have shown that this missense change affects ACADVL function (PMID: 9709714, 10738914). For these reasons, this variant has been classified as Pathogenic.

Blueprint Genetics
Classification: Likely pathogenic for ACADVL-related disorders. Last evaluated: 2024-07-31. Review status: criteria provided, single submitter. Criteria: ACMG Guidelines, 2015. Collection method: clinical testing. Allele origin: germline. Affected: yes. Observed: 5 variant alleles. Not counted in ClinVar's aggregate classification.

GeneDx
Classification: Pathogenic. Last evaluated: 2023-11-14. Review status: criteria provided, single submitter. Criteria: GeneDx Variant Classification Process June 2021. Collection method: clinical testing. Allele origin: germline. Affected: yes. Not counted in ClinVar's aggregate classification.
Comment: Functional analysis found that this variant is associated with significantly reduced enzyme activity (PMID: 9709714); Not observed at a significant frequency in large population cohorts (gnomAD); In silico analysis supports that this missense variant has a deleterious effect on protein structure/function; This variant is associated with the following publications: (PMID: 10738914, 9709714)

Baylor Genetics
Classification: Pathogenic for Very long chain acyl-CoA dehydrogenase deficiency. Last evaluated: 2023-05-09. Review status: criteria provided, single submitter. Criteria: ACMG Guidelines, 2015. Collection method: clinical testing. Allele origin: unknown. Not counted in ClinVar's aggregate classification.

Wong Mito Lab, Molecular and Human Genetics, Baylor College of Medicine
Classification: Pathogenic for Very long chain acyl-CoA dehydrogenase deficiency. Last evaluated: 2019-11-01. Review status: criteria provided, single submitter. Criteria: ACMG Guidelines, 2015. Collection method: clinical testing. Allele origin: germline. Not counted in ClinVar's aggregate classification.
Comment: The NM_000018.3:c.1372T>C (NP_000009.1:p.Phe458Leu) [GRCH38: NC_000017.11:g.7224007T>C] variant in ACADVL gene is interpretated to be Pathogenic based on ACMG guidelines (PMID: 25741868). This variant has been reported in PMID:9709714. This variant meets the following evidence codes reported in the ACMG guidelines: PS1, PS3

PreventionGenetics, part of Exact Sciences
Classification: Pathogenic for ACADVL-related condition. Last evaluated: 2024-06-17. Review status: no assertion criteria provided. Collection method: clinical testing. Allele origin: germline. Not counted in ClinVar's aggregate classification.
Comment: The ACADVL c.1372T>C variant is predicted to result in the amino acid substitution p.Phe458Leu. This variant has been reported in the compound heterozygous state in two patients with clinical and biochemical features consistent with very long-chain acyl-CoA dehydrogenase deficiency (VLCADD), as well as reduced enzyme activity in fibroblasts (Cox et al. 1998. PubMed ID: 9709714; Pons et al. 2000. PubMed ID: 10738914, referred to as T1372C, Phe418Leu). In expression studies using baculovirus or Chinese hamster ovary cells, the p.Phe458Leu substitution was reported to lead to an inactive VLCAD enzyme lacking the FAD cofactor (Cox et al. 1998. PubMed ID: 9709714). This variant is reported in 0.0018% of alleles in individuals of European (Non-Finnish) descent in gnomAD and is interpreted as likely pathogenic and pathogenic in Clinvar. This variant is interpreted as pathogenic.

OMIM
Classification: Pathogenic for VLCAD DEFICIENCY. Last evaluated: 1998-08-01. Review status: no assertion criteria provided. Collection method: literature only. Allele origin: germline. Not counted in ClinVar's aggregate classification.

Literature cited by the submitters: PubMed 9461620 (cited by ClinGen ACADVL Variant Curation Expert Panel, ClinGen); PubMed 10738914 (cited by Natera, Inc. and Labcorp Genetics (formerly Invitae), Labcorp); PubMed 9709714 (cited by 4 submitters).